The following is an entry in ClinVar:

NM_002474.3(MYH11):c.5187C>G (p.Asp1729Glu)

Genes: MYH11 (myosin heavy chain 11; minus strand), NDE1 (nudE neurodevelopment protein 1; plus strand). Cytogenetic location: 16p13.11.
Variant type: single nucleotide variant.
Coding change: c.5187C>G on transcript NM_002474.3 (MANE Select); coding-DNA position 5187, C replaced by G.
Protein change: p.Asp1729Glu; replaces aspartic acid 1729 with glutamic acid.
Molecular consequence: missense variant. On other transcripts: intron variant (2).
Genome position (GRCh38, 1-based): chr16:15,718,423, G>C on the plus strand (C>G on the coding strand, the complement: MYH11 is on the minus strand). VCF-style: chr16-15718423-G-C. GRCh37 (hg19) VCF-style: chr16-15812280-G-C.
Other names: c.5208C>G, p.Asp1736Glu (NM_001040113.2, NM_001040114.2); c.5187C>G, p.Asp1729Glu (NM_022844.3); c.948-5768G>C (NM_001143979.2, NM_017668.3); short protein forms D1729E, D1736E.
Identifiers: ClinVar variation 1172100 (VCV001172100.6), dbSNP rs145101141, ClinGen allele CA394850261.

ClinVar aggregate classification (germline): Uncertain significance. Review status: criteria provided, multiple submitters, no conflicts (2 of 4 stars). 3 submissions from 3 submitters: Uncertain significance (3). Last evaluated 2025-06-05.

Conditions:
Familial thoracic aortic aneurysm and aortic dissection (TAAD). Also called: Thoracic aortic aneurysms and dissections. Identifiers: Orphanet 91387, MedGen C4707243, MONDO:0019625.
Aortic aneurysm, familial thoracic 4 (AAT4). Also called: AORTIC ANEURYSM/AORTIC DISSECTION AND PATENT DUCTUS ARTERIOSUS. Identifiers: MedGen C1851504, MONDO:0007568, OMIM 132900.

gnomAD v4.1: 3 of 1,574,648 alleles (0.00019%); highest among the groups gnomAD compares: Non-Finnish European, 0.00026%; no homozygotes.

Submissions (3):

Labcorp Genetics (formerly Invitae), Labcorp
Classification: Uncertain significance for Aortic aneurysm, familial thoracic 4. Last evaluated: 2025-06-05. Review status: criteria provided, single submitter. Criteria: Invitae Variant Classification Sherloc (09022015). Collection method: clinical testing. Allele origin: germline.
Comment: This sequence change replaces aspartic acid, which is acidic and polar, with glutamic acid, which is acidic and polar, at codon 1736 of the MYH11 protein (p.Asp1736Glu). This variant is present in population databases (no rsID available, gnomAD 0.001%). This variant has not been reported in the literature in individuals affected with MYH11-related conditions. ClinVar contains an entry for this variant (Variation ID: 1172100). Invitae Evidence Modeling of protein sequence and biophysical properties (such as structural, functional, and spatial information, amino acid conservation, physicochemical variation, residue mobility, and thermodynamic stability) indicates that this missense variant is not expected to disrupt MYH11 protein function with a negative predictive value of 95%. In summary, the available evidence is currently insufficient to determine the role of this variant in disease. Therefore, it has been classified as a Variant of Uncertain Significance.

Color Diagnostics, LLC DBA Color Health
Classification: Uncertain significance for Familial thoracic aortic aneurysm and aortic dissection. Last evaluated: 2024-03-06. Review status: criteria provided, single submitter. Criteria: ACMG Guidelines, 2015. Collection method: clinical testing. Allele origin: germline.
Comment: This missense variant replaces aspartic acid with glutamic acid at codon 1736 of the MYH11 protein. Computational prediction suggests that this variant may not impact protein structure and function (internally defined REVEL score threshold <= 0.5, PMID: 27666373). To our knowledge, functional studies have not been reported for this variant. This variant has not been reported in individuals affected with MYH11-related disorders in the literature. This variant has been identified in 1/191988 chromosomes in the general population by the Genome Aggregation Database (gnomAD). The available evidence is insufficient to determine the role of this variant in disease conclusively. Therefore, this variant is classified as a Variant of Uncertain Significance.

All of Us Research Program, National Institutes of Health
Classification: Uncertain significance for Familial thoracic aortic aneurysm and aortic dissection. Last evaluated: 2023-02-24. Review status: criteria provided, single submitter. Criteria: ACMG Guidelines, 2015. Collection method: clinical testing. Allele origin: germline. Inheritance: Autosomal dominant inheritance. Observed: 1 variant allele, 1 heterozygote.
Comment: This missense variant replaces aspartic acid with glutamic acid at codon 1736 of the MYH11 protein. Computational prediction suggests that this variant may not impact protein structure and function (internally defined REVEL score threshold <= 0.5, PMID: 27666373). To our knowledge, functional studies have not been reported for this variant. This variant has not been reported in individuals affected with cardiovascular disorders in the literature. This variant has been identified in 1/191988 chromosomes in the general population by the Genome Aggregation Database (gnomAD). The available evidence is insufficient to determine the role of this variant in disease conclusively. Therefore, this variant is classified as a Variant of Uncertain Significance.

This study involves interpretation of variants in research participants for the purpose of population health screening. Participant phenotype was not available at the time of variant classification. Additional details can be found in publication PMID: 35346344, PMCID: PMC8962531